The following is an entry in ClinVar:

NM_001918.5(DBT):c.116del (p.Phe39fs)

Gene: DBT (dihydrolipoamide branched chain transacylase E2; minus strand). Cytogenetic location: 1p21.2.
Variant type: Deletion.
Coding change: c.116del on transcript NM_001918.5 (MANE Select); coding-DNA position 116, one base deleted (T; older notation c.116delT).
Protein change: p.Phe39fs; shifts the reading frame from phenylalanine 39.
Molecular consequence: frameshift variant. On other transcripts: 5 prime UTR variant (2), non-coding transcript variant (4).
Genome position (GRCh38, 1-based): chr1:100,240,820, A deleted on the plus strand (T on the coding strand, the reverse complement: DBT is on the minus strand); the first of 3 consecutive A bases (chr1:100,240,820-100,240,822); deleting any one gives the same sequence. VCF-style (leftmost placement, unchanged base first): chr1-100240819-GA-G. GRCh37 (hg19) VCF-style: chr1-100706375-GA-G.
Other names: c.-428del (NM_001399969.1, NM_001399972.1); short protein forms F39fs.
Identifiers: ClinVar variation 5012832 (VCV005012832.1).

ClinVar aggregate classification (germline): Pathogenic (1 of 4 stars; one submission).

Conditions:
Maple syrup urine disease type 2 (MSUD2). Also called: Maple syrup urine disease, type II. Identifiers: MedGen C1855371, MONDO:0023693, OMIM 620699.

Submission:

Myriad Genetics, Inc.
Classification: Pathogenic for Maple syrup urine disease type 2. Last evaluated: 2024-03-19. Review status: criteria provided, single submitter. Criteria: Myriad Autosomal Dominant, Autosomal Recessive and X-Linked Classification Criteria (2023). Collection method: clinical testing. Allele origin: unknown.
Comment: NM_001918.3(DBT):c.116delT(F39Sfs*16) is expected to be pathogenic in the context of maple syrup urine disease type II. This variant is predicted to lead to an abnormal or absent protein product due to the creation of a premature termination codon in DBT, a gene where loss-of-function variants are known to be pathogenic. Please note: this variant was assessed in the context of healthy population screening.